The following is an entry in ClinVar:

ClinVar aggregate classification (germline): Benign/Likely benign. Review status: criteria provided, multiple submitters, no conflicts (2 of 4 stars). 13 submissions from 13 submitters: Benign (11); Likely benign (1). 1 of the submissions does not count toward it. Last evaluated 2026-02-04.

Conditions:
Autosomal recessive nonsyndromic hearing loss 23. Identifiers: Orphanet 90636, MedGen C1836027, MONDO:0012293, OMIM 609533.
Usher syndrome type 1D (USH1D). Also called: USHER SYNDROME, TYPE ID. Identifiers: Orphanet 231169, Orphanet 886, MedGen C1832845, MONDO:0010984, OMIM 601067.
Usher syndrome type 1F (USH1F). Also called: USHER SYNDROME, TYPE IF. Identifiers: Orphanet 231169, Orphanet 886, MedGen C1865885, MONDO:0011186, OMIM 602083.
Usher syndrome type 1 (USH1). Also called: RETINITIS PIGMENTOSA AND CONGENITAL DEAFNESS. Identifiers: Orphanet 231169, Orphanet 886, MedGen C1568247, MONDO:0010168, OMIM 276900.

Allele frequency attached by ClinVar (database versions not stated): gnomAD exomes 0.13766 and 0.16235; ExAC 0.16563; gnomAD 0.22253 and 0.22813; ESP Exome Variant Server 0.23435; TOPMed 0.24160; 1000 Genomes Project 0.24321; 1000 Genomes Project 30x 0.24984.
gnomAD v4.1: 235,648 of 1,612,490 alleles (15%); highest among the groups gnomAD compares: African/African-American, 46%; 22,139 homozygotes.

Submissions (19):

Labcorp Genetics (formerly Invitae), Labcorp
Classification: Benign. Last evaluated: 2026-02-04. Review status: criteria provided, single submitter. Criteria: Invitae Variant Classification Sherloc (09022015). Collection method: clinical testing. Allele origin: germline.

ARUP Laboratories, Molecular Genetics and Genomics, ARUP Laboratories
Classification: Benign. Last evaluated: 2023-11-29. Review status: criteria provided, single submitter. Criteria: ARUP Molecular Germline Variant Investigation Process 2024. Collection method: clinical testing. Allele origin: germline.

Fulgent Genetics
Classification: Likely benign for Usher syndrome type 1D; Usher syndrome type 1F; Autosomal recessive nonsyndromic hearing loss 23. Last evaluated: 2022-01-13. Review status: criteria provided, single submitter. Criteria: ACMG Guidelines, 2015. Collection method: clinical testing. Allele origin: unknown.

Genome-Nilou Lab
Classification: Benign for Usher syndrome type 1F. Last evaluated: 2021-07-01. Review status: criteria provided, single submitter. Criteria: ACMG Guidelines, 2015. Collection method: clinical testing. Allele origin: germline. Affected: no.

Mayo Clinic Laboratories, Mayo Clinic
Classification: Benign. Last evaluated: 2020-10-02. Review status: criteria provided, single submitter. Criteria: ACMG Guidelines, 2015. Collection method: clinical testing. Allele origin: germline. Observed: 44 variant alleles.

Mendelics
Classification: Benign for Usher syndrome type 1F. Last evaluated: 2019-05-28. Review status: criteria provided, single submitter. Criteria: Mendelics Assertion Criteria 2017. Collection method: clinical testing. Allele origin: unknown.

Illumina Laboratory Services, Illumina
Classification: Benign for Usher syndrome type 1. Last evaluated: 2018-03-06. Review status: criteria provided, single submitter. Criteria: ICSL Variant Classification Criteria 13 December 2019. Collection method: clinical testing. Allele origin: germline.
Comment: This variant was observed in the ICSL laboratory as part of a predisposition screen in an ostensibly healthy population. It had not been previously curated by ICSL or reported in the Human Gene Mutation Database (HGMD: prior to June 1st, 2018), and was therefore a candidate for classification through an automated scoring system. Utilizing variant allele frequency, disease prevalence and penetrance estimates, and inheritance mode, an automated score was calculated to assess if this variant is too frequent to cause the disease. Based on the score and internal cut-off values, a variant classified as benign is not then subjected to further curation. The score for this variant resulted in a classification of benign for this disease.

GeneDx
Classification: Benign. Last evaluated: 2015-03-03. Review status: criteria provided, single submitter. Criteria: GeneDx Variant Classification Process June 2021. Collection method: clinical testing. Allele origin: germline. Affected: yes.
Comment: This variant is associated with the following publications: (PMID: 21569298, 19816713)

Eurofins Ntd Llc (ga)
Classification: Benign. Last evaluated: 2015-02-06. Review status: criteria provided, single submitter. Criteria: EGL Classification Definitions 2015. Collection method: clinical testing. Allele origin: germline.

Laboratory for Molecular Medicine, Mass General Brigham Personalized Medicine
Classification: Benign. Last evaluated: 2009-06-23. Review status: criteria provided, single submitter. Criteria: LMM Criteria. Collection method: clinical testing. Allele origin: germline. Observed: 677 variant alleles.

Breakthrough Genomics
Classification: Benign. Review status: criteria provided, single submitter. Criteria: ACMG Guidelines, 2015. Collection method: not provided. Allele origin: germline. Inheritance: Autosomal recessive inheritance. Affected: yes.

PreventionGenetics, part of Exact Sciences
Classification: Benign. Review status: criteria provided, single submitter. Criteria: ACMG Guidelines, 2015. Collection method: clinical testing. Allele origin: germline.

Dr. Peter K. Rogan Lab, Western University
No classification provided (evidence only). Condition: Colorectal cancer. Review status: no classification provided. Collection method: in vitro. Allele origin: not applicable. Functional consequence: retained intron. Not counted in ClinVar's aggregate classification.

Dr. Peter K. Rogan Lab, Western University
No classification provided (evidence only). Condition: Cholangiocarcinoma. Review status: no classification provided. Collection method: in vitro. Allele origin: not applicable. Functional consequence: retained intron. Not counted in ClinVar's aggregate classification.

Dr. Peter K. Rogan Lab, Western University
No classification provided (evidence only). Condition: Uterine carcinosarcoma. Review status: no classification provided. Collection method: in vitro. Allele origin: not applicable. Functional consequence: retained intron. Not counted in ClinVar's aggregate classification.

Dr. Peter K. Rogan Lab, Western University
No classification provided (evidence only). Condition: Uterine carcinosarcoma. Review status: no classification provided. Collection method: in vitro. Allele origin: not applicable. Functional consequence: retained intron. Not counted in ClinVar's aggregate classification.

Dr. Peter K. Rogan Lab, Western University
No classification provided (evidence only). Condition: Uterine carcinosarcoma. Review status: no classification provided. Collection method: in vitro. Allele origin: not applicable. Functional consequence: retained intron. Not counted in ClinVar's aggregate classification.

Dr. Peter K. Rogan Lab, Western University
No classification provided (evidence only). Condition: Uterine carcinosarcoma. Review status: no classification provided. Collection method: in vitro. Allele origin: not applicable. Functional consequence: retained intron. Not counted in ClinVar's aggregate classification.

NEI Ophthalmic Genomics Laboratory, National Institutes of Health
No classification provided. Review status: no classification provided. Collection method: not provided. Allele origin: not provided. Not counted in ClinVar's aggregate classification.

NM_001384140.1(PCDH15):c.1138G>A (p.Gly380Ser)

Gene: PCDH15 (protocadherin related 15; minus strand). Cytogenetic location: 10q21.1.
Variant type: single nucleotide variant.
Coding change: c.1138G>A on transcript NM_001384140.1 (MANE Select); coding-DNA position 1138, G replaced by A.
Protein change: p.Gly380Ser; replaces glycine 380 with serine.
Molecular consequence: missense variant.
Genome position (GRCh38, 1-based): chr10:54,195,850, C>T on the plus strand (G>A on the coding strand, the complement: PCDH15 is on the minus strand). VCF-style: chr10-54195850-C-T. GRCh37 (hg19) VCF-style: chr10-55955610-C-T.
Other names: c.1153G>A, p.Gly385Ser (NM_001142763.2, NM_001142769.4, NM_001142771.2); c.1138G>A, p.Gly380Ser (NM_001142764.2, NM_001142765.2, NM_001142766.2 and 7 more transcripts); c.1027G>A, p.Gly343Ser (NM_001142767.2); c.1072G>A, p.Gly358Ser (NM_001142768.2, NM_001142773.2, NM_001354404.2); short protein forms G380S, G385S, G358S, G343S.
Identifiers: ClinVar variation 46436 (VCV000046436.41), dbSNP rs10825269, ClinGen allele CA138360.